The following is an entry in ClinVar:

ClinVar aggregate classification (germline): Uncertain significance. Review status: criteria provided, multiple submitters, no conflicts (2 of 4 stars). 4 submissions from 4 submitters: Uncertain significance (4). Last evaluated 2025-06-25.

Conditions:
Inborn genetic diseases. Identifiers: MedGen C0950123, MeSH D030342.
Fanconi anemia complementation group E (FANCE). Also called: FANCE-Related Fanconi Anemia. Identifiers: Orphanet 84, MedGen C3160739, MONDO:0010953, OMIM 600901.

Allele frequency attached by ClinVar (database versions not stated): gnomAD 0.00001; gnomAD exomes 0.00002.
gnomAD v4.1: 26 of 1,331,104 alleles (0.002%); highest among the groups gnomAD compares: African/African-American, 0.003%; no homozygotes.

Submissions (4):

Ambry Genetics
Classification: Uncertain significance for Inborn genetic diseases. Last evaluated: 2025-06-25. Review status: criteria provided, single submitter. Criteria: Ambry Variant Classification Scheme 2023. Collection method: clinical testing. Allele origin: germline.

Fulgent Genetics
Classification: Uncertain significance for Fanconi anemia complementation group E. Last evaluated: 2024-05-20. Review status: criteria provided, single submitter. Criteria: ACMG Guidelines, 2015. Collection method: clinical testing. Allele origin: germline.

Blueprint Genetics
Classification: Uncertain significance. Last evaluated: 2023-12-15. Review status: criteria provided, single submitter. Criteria: ACMG Guidelines, 2015. Collection method: clinical testing. Allele origin: germline.

Labcorp Genetics (formerly Invitae), Labcorp
Classification: Uncertain significance for Fanconi anemia complementation group E. Last evaluated: 2023-11-02. Review status: criteria provided, single submitter. Criteria: Invitae Variant Classification Sherloc (09022015). Collection method: clinical testing. Allele origin: germline.
Comment: This sequence change replaces glycine, which is neutral and non-polar, with glutamic acid, which is acidic and polar, at codon 10 of the FANCE protein (p.Gly10Glu). This variant is not present in population databases (gnomAD no frequency). This variant has not been reported in the literature in individuals affected with FANCE-related conditions. An algorithm developed to predict the effect of missense changes on protein structure and function (PolyPhen-2) suggests that this variant¬¨‚Ä†is likely to be tolerated. In summary, the available evidence is currently insufficient to determine the role of this variant in disease. Therefore, it has been classified as a Variant of Uncertain Significance.

NM_021922.3(FANCE):c.29G>A (p.Gly10Glu)

Genes: FANCE (FA complementation group E; plus strand), LOC129996245 (ATAC-STARR-seq lymphoblastoid silent region 17092; plus strand). Cytogenetic location: 6p21.31.
Variant type: single nucleotide variant.
Coding change: c.29G>A on transcript NM_021922.3 (MANE Select); coding-DNA position 29, G replaced by A.
Protein change: p.Gly10Glu; replaces glycine 10 with glutamic acid.
Molecular consequence: missense variant.
Genome position (GRCh38, 1-based): chr6:35,452,574, G>A. VCF-style: chr6-35452574-G-A. GRCh37 (hg19) VCF-style: chr6-35420351-G-A.
Other names: c.29G>A, p.Gly10Glu (NM_001410876.1); short protein forms G10E.
Identifiers: ClinVar variation 2744800 (VCV002744800.5), dbSNP rs1767148177, ClinGen allele CA363769754.